The following is an entry in ClinVar:

ClinVar aggregate classification (germline): Uncertain significance (1 of 4 stars; one submission).

Conditions:
Hereditary breast ovarian cancer syndrome. Also called: Hereditary breast and ovarian cancer; Hereditary breast and ovarian cancer syndrome (HBOC); Breast and ovarian cancer; Hereditary breast and ovarian cancer syndrome; Hereditary breast and/or ovarian cancer syndrome; BRCA1- and BRCA2-Associated Hereditary Breast and Ovarian Cancer. Identifiers: Orphanet 145, MedGen C0677776, MeSH D061325, MONDO:0003582. Disease mechanism: loss of function.

Submission:

Labcorp Genetics (formerly Invitae), Labcorp
Classification: Uncertain significance for Hereditary breast ovarian cancer syndrome. Last evaluated: 2024-02-23. Review status: criteria provided, single submitter. Criteria: Invitae Variant Classification Sherloc (09022015). Collection method: clinical testing. Allele origin: germline.
Comment: This sequence change replaces glycine, which is neutral and non-polar, with glutamic acid, which is acidic and polar, at codon 162 of the BRCA2 protein (p.Gly162Glu). This variant is not present in population databases (gnomAD no frequency). This variant has not been reported in the literature in individuals affected with BRCA2-related conditions. Advanced modeling of protein sequence and biophysical properties (such as structural, functional, and spatial information, amino acid conservation, physicochemical variation, residue mobility, and thermodynamic stability) performed at Invitae indicates that this missense variant is not expected to disrupt BRCA2 protein function with a negative predictive value of 95%. In summary, the available evidence is currently insufficient to determine the role of this variant in disease. Therefore, it has been classified as a Variant of Uncertain Significance.

NM_000059.4(BRCA2):c.485G>A (p.Gly162Glu)

Gene: BRCA2 (BRCA2 DNA repair associated; plus strand). Cytogenetic location: 13q13.1.
Variant type: single nucleotide variant.
Coding change: c.485G>A on transcript NM_000059.4 (MANE Select); coding-DNA position 485, G replaced by A.
Protein change: p.Gly162Glu; replaces glycine 162 with glutamic acid.
Molecular consequence: missense variant. On other transcripts: non-coding transcript variant (1).
Genome position (GRCh38, 1-based): chr13:32,326,251, G>A. VCF-style: chr13-32326251-G-A. GRCh37 (hg19) VCF-style: chr13-32900388-G-A.
Other names: c.485G>A, p.Gly162Glu (NM_001406719.1, NM_001406720.1, NM_001406721.1); c.116G>A, p.Gly39Glu (NM_001406722.1); short protein forms G162E, G39E.
Identifiers: ClinVar variation 2960231 (VCV002960231.3), dbSNP rs2137450340, ClinGen allele CA387757640.